The following is an entry in ClinVar:

ClinVar aggregate classification (germline): Uncertain significance. Review status: reviewed by expert panel (3 of 4 stars). 4 submissions from 4 submitters: Uncertain significance (1). 3 of the submissions do not count toward it. Last evaluated 2026-08-17.

Conditions:
Hurler syndrome. Also called: Severe MPS I (Hurler Syndrome); Gargoylism, Hurler Syndrome; MUCOPOLYSACCHARIDOSIS TYPE IH. Identifiers: Orphanet 93473, MedGen C0086795, MONDO:0011758, OMIM 607014.
Mucopolysaccharidosis type 1. Also called: IDUA deficiency; MPS I; Mucopolysaccharidosis Type I. Identifiers: Orphanet 579, MedGen C0023786, MONDO:0001586.

Submissions (4):

ClinGen Lysosomal Storage Disorder Variant Curation Expert Panel
Classification: Uncertain significance for Mucopolysaccharidosis type 1. Last evaluated: 2026-08-17. Review status: reviewed by expert panel. Criteria: ClinGen LSD ACMG Specifications IDUA V1.2.0. Collection method: curation. Allele origin: germline. Inheritance: Autosomal recessive inheritance.
Comment: The NM_000203.5:c.1189+5G>A variant in IDUA occurs within the canonical splice donor site of intron 8. This variant has been detected in two individuals with MPS I. Both individuals were compound heterozygous for the variant and a variant in IDUA that has been classified as pathogenic variant for MPS I by the ClinGen LD VCEP. The second variant included c.46_57del (p.Ser16_Ala19del) (ClinVarID: 92643, PIMD: 23210910). Since these individuals are siblings, only one case can counted. Total = 1 point (PM3). There are two siblings who are described to have MPS1-H/S and were treated with enzyme replacement therapy. It is unclear if the variants are confirmed in trans (PMID: 23210910). Therefore, PP1 is not met. The computational splicing predictor SpliceAI gives a score of 0.76 for donor loss, predicting that the variant disrupts the donor splice site of intron 8 of IDUA. The computational splicing predictor SpliceAI also gives a score of 0.45 for donor gain (PP3). This variant is absent in gnomAD v4.1.0. (PM2_Supporting). At least 2 patients underwent enzyme replacement therapy (ERT). There were no information available about enzyme activity, GAG levels or clinical features. Therefore, PP4 is not met. In summary, this variant meets the criteria to be classified as a variant of uncertain significannce for MPS I based on the IDUA-specific ACMG/AMP criteria applied, as specified by the ClinGen Lysosomal Diseases Variant Curation Expert Panel (Specifications Version 1.2.0): PM3, PP3, PM2_supporting (Classification approved by the ClinGen Lysosomal Diseases Variant Curation Expert Panel on August 17, 2026)

Natera, Inc.
Classification: Likely pathogenic for Mucopolysaccharidosis type I. Last evaluated: 2025-03-07. Review status: criteria provided, single submitter. Criteria: Natera Variant Classification Schema (03/2026). Collection method: clinical testing. Allele origin: germline. Not counted in ClinVar's aggregate classification.
Comment: The c.1189+5G>A variant in IDUA is an intronic variant located outside the canonical splice sites. This variant is rare in the general population with a frequency below the threshold expected for the associated phenotype(s). This variant has been observed in one or more individuals affected with the associated recessive disease, as either homozygous or compound heterozygous with a second variant (PMID: 21394825). Additionally, this variant has been observed to segregate in affected family members (PMID: 23210910). Functional studies show that this variant may disrupt protein function (PMID: 21394825). Computational prediction algorithms indicate this variant is likely to affect gene or protein function. Given the available evidence, this variant is classified as Likely Pathogenic.

Revvity Omics, Revvity
Classification: Likely pathogenic. Last evaluated: 2020-06-30. Review status: criteria provided, single submitter. Criteria: ACMG Guidelines, 2015. Collection method: clinical testing. Allele origin: germline. Not counted in ClinVar's aggregate classification.

Counsyl
Classification: Uncertain significance for Hurler syndrome. Last evaluated: 2017-05-09. Review status: no assertion criteria provided. Collection method: clinical testing. Allele origin: unknown. Not counted in ClinVar's aggregate classification.

Literature cited by the submitters: PubMed 21394825 (cited by Natera, Inc. and Counsyl); PubMed 23210910 (cited by Natera, Inc. and Counsyl).

NM_000203.5(IDUA):c.1189+5G>A

Gene: IDUA (alpha-L-iduronidase; plus strand). Cytogenetic location: 4p16.3.
Variant type: single nucleotide variant.
Coding change: c.1189+5G>A on transcript NM_000203.5 (MANE Select); 5 bases into the intron after coding-DNA position 1189, G replaced by A.
Molecular consequence: intron variant.
Genome position (GRCh38, 1-based): chr4:1,002,490, G>A. VCF-style: chr4-1002490-G-A. GRCh37 (hg19) VCF-style: chr4-996278-G-A.
Other names: c.793+5G>A (NM_001363576.1); c.1189+5G>A (NM_000203.4).
Identifiers: ClinVar variation 551848 (VCV000551848.8), dbSNP rs1553917318, ClinGen allele CA658823290.
Genomic context (GRCh38, chr4:1,002,490, plus strand): 5'-CGTGCAGCTGTTGCGCAAGCCGGTGCTCACGGCCATGGGGCTGCTGGCGCTGCTGGGTGA[G>A]CCGGGGCCGCTGGGGTGGGCCGGCCAGGGCCCTCCAGGCTGGGGAGCGGCTCCTGCGAAG-3'